The following is an entry in ClinVar:

NM_005216.5(DDOST):c.507_508delinsAA (p.Val170Ile)

Gene: DDOST (dolichyl-diphosphooligosaccharide--protein glycosyltransferase non-catalytic subunit; minus strand). Cytogenetic location: 1p36.12.
Variant type: Indel.
Coding change: c.507_508delinsAA on transcript NM_005216.5 (MANE Select); coding-DNA positions 507 to 508, CG replaced by AA.
Protein change: p.Val170Ile; replaces valine 170 with isoleucine.
Molecular consequence: missense variant.
Genome position (GRCh38, 1-based): chr1:20,655,483-20,655,484, CG replaced by TT on the plus strand (CG replaced by AA on the coding strand, the reverse complement: DDOST is on the minus strand). VCF-style: chr1-20655483-CG-TT. GRCh37 (hg19) VCF-style: chr1-20981976-CG-TT.
Other names: short protein forms V170I.
Identifiers: ClinVar variation 4705534 (VCV004705534.1).

ClinVar aggregate classification (germline): Uncertain significance (1 of 4 stars; one submission).

Conditions:
Congenital disorder of glycosylation type Ir (CDG1R). Also called: DDOST-congenital disorder of glycosylation. Identifiers: Orphanet 300536, MedGen C3281084, MONDO:0013789, OMIM 614507.

Submission:

Labcorp Genetics (formerly Invitae), Labcorp
Classification: Uncertain significance for Congenital disorder of glycosylation type Ir. Last evaluated: 2025-06-15. Review status: criteria provided, single submitter. Criteria: Invitae Variant Classification Sherloc (09022015). Collection method: clinical testing. Allele origin: germline.
Comment: This sequence change replaces valine, which is neutral and non-polar, with isoleucine, which is neutral and non-polar, at codon 187 of the DDOST protein (p.Val187Ile). Information on the frequency of this variant in the gnomAD database is not available, as this variant may be reported differently in the database. This variant has not been reported in the literature in individuals affected with DDOST-related conditions. Experimental studies and prediction algorithms are not available or were not evaluated, and the functional significance of this variant is currently unknown. In summary, the available evidence is currently insufficient to determine the role of this variant in disease. Therefore, it has been classified as a Variant of Uncertain Significance.